The following is an entry in ClinVar:

ClinVar aggregate classification (germline): Benign (1 of 4 stars; one submission).

Allele frequency attached by ClinVar (database versions not stated): 1000 Genomes Project 30x 0.49453; 1000 Genomes Project 0.49521; TOPMed 0.55772; gnomAD 0.57876 and 0.57890.
gnomAD v4.1: 88,151 of 152,060 alleles (58%); highest among the groups gnomAD compares: Non-Finnish European, 69%; 27,545 homozygotes.

Submission:

GeneDx
Classification: Benign. Last evaluated: 2018-06-19. Review status: criteria provided, single submitter. Criteria: GeneDx Variant Classification (06012015). Collection method: clinical testing. Allele origin: germline. Affected: yes.
Comment: This variant is considered likely benign or benign based on one or more of the following criteria: it is a conservative change, it occurs at a poorly conserved position in the protein, it is predicted to be benign by multiple in silico algorithms, and/or has population frequency not consistent with disease.

NM_032578.4(MYPN):c.3493+292A>G

Gene: MYPN (myopalladin; plus strand). Cytogenetic location: 10q21.3.
Variant type: single nucleotide variant.
Coding change: c.3493+292A>G on transcript NM_032578.4 (MANE Select); 292 bases into the intron after coding-DNA position 3493, A replaced by G.
Molecular consequence: intron variant.
Genome position (GRCh38, 1-based): chr10:68,199,867, A>G. VCF-style: chr10-68199867-A-G. GRCh37 (hg19) VCF-style: chr10-69959624-A-G.
Other names: c.3493+292A>G (NM_001256267.2); c.2611+292A>G (NM_001256268.2).
Identifiers: ClinVar variation 668996 (VCV000668996.1), dbSNP rs10998015, ClinGen allele CA15651601.